The following is an entry in ClinVar:

NM_016042.4(EXOSC3):c.626+92G>A

Gene: EXOSC3 (exosome component 3; minus strand). Cytogenetic location: 9p13.2.
Variant type: single nucleotide variant.
Coding change: c.626+92G>A on transcript NM_016042.4 (MANE Select); 92 bases into the intron after coding-DNA position 626, G replaced by A.
Molecular consequence: intron variant.
Genome position (GRCh38, 1-based): chr9:37,781,894, C>T on the plus strand (G>A on the coding strand, the complement: EXOSC3 is on the minus strand). VCF-style: chr9-37781894-C-T. GRCh37 (hg19) VCF-style: chr9-37781891-C-T.
Other names: c.475-1014G>A (NM_001002269.2).
Identifiers: ClinVar variation 680124 (VCV000680124.2), dbSNP rs2296551, ClinGen allele CA15594366.

ClinVar aggregate classification (germline): Benign. Review status: criteria provided, multiple submitters, no conflicts (2 of 4 stars). 2 submissions from 2 submitters: Benign (2). Last evaluated 2018-06-19.

Allele frequency attached by ClinVar (database versions not stated): 1000 Genomes Project 0.19249; 1000 Genomes Project 30x 0.19613; gnomAD 0.22048 and 0.22753; TOPMed 0.22796.
gnomAD v4.1: 247,879 of 1,371,386 alleles (18%); highest among the groups gnomAD compares: African/African-American, 35%; 24,084 homozygotes.

Submissions (2):

GeneDx
Classification: Benign. Last evaluated: 2018-06-19. Review status: criteria provided, single submitter. Criteria: GeneDx Variant Classification (06012015). Collection method: clinical testing. Allele origin: germline. Affected: yes.
Comment: This variant is considered likely benign or benign based on one or more of the following criteria: it is a conservative change, it occurs at a poorly conserved position in the protein, it is predicted to be benign by multiple in silico algorithms, and/or has population frequency not consistent with disease.

Breakthrough Genomics
Classification: Benign. Review status: criteria provided, single submitter. Criteria: ACMG Guidelines, 2015. Collection method: not provided. Allele origin: germline. Inheritance: Autosomal recessive inheritance. Affected: yes.